The following is an entry in ClinVar:

NM_001267550.2(TTN):c.104334G>A (p.Thr34778=)

Genes: TTN-AS1 (TTN antisense RNA 1; plus strand), TTN (titin; minus strand). Cytogenetic location: 2q31.2.
Variant type: single nucleotide variant.
Coding change: c.104334G>A on transcript NM_001267550.2 (MANE Select); coding-DNA position 104334, G replaced by A.
Protein change: p.Thr34778=; no amino-acid change (threonine 34778 retained).
Molecular consequence: synonymous variant.
Genome position (GRCh38, 1-based): chr2:178,532,281, C>T on the plus strand (G>A on the coding strand, the complement: TTN is on the minus strand). VCF-style: chr2-178532281-C-T. GRCh37 (hg19) VCF-style: chr2-179397008-C-T.
Other names: c.99411G>A, p.Thr33137= (NM_001256850.1); c.77139G>A, p.Thr25713= (NM_003319.4); c.96630G>A, p.Thr32210= (NM_133378.4); c.77514G>A, p.Thr25838= (NM_133432.3); c.77715G>A, p.Thr25905= (NM_133437.4).
Identifiers: ClinVar variation 389338 (VCV000389338.6), dbSNP rs550108694, ClinGen allele CA1985440.

ClinVar aggregate classification (germline): Likely benign. Review status: criteria provided, multiple submitters, no conflicts (2 of 4 stars). 3 submissions from 3 submitters: Likely benign (3). Last evaluated 2025-10-08.

Conditions:
Cardiovascular phenotype. Identifiers: MedGen CN230736.
Dilated cardiomyopathy 1G (CMD1G). Identifiers: Orphanet 154, MedGen C1858763, MONDO:0011400, OMIM 604145.
Autosomal recessive limb-girdle muscular dystrophy type 2J (LGMDR10). Also called: MUSCULAR DYSTROPHY, LIMB-GIRDLE, AUTOSOMAL RECESSIVE 10; Limb-girdle muscular dystrophy, type 2J. Identifiers: Orphanet 140922, MedGen C1837342, MONDO:0012127, OMIM 608807.

Allele frequency attached by ClinVar (database versions not stated): ExAC 0.00001; gnomAD 0.00001 and 0.00003; gnomAD exomes 0.00001; TOPMed 0.00002; 1000 Genomes Project 30x 0.00031; 1000 Genomes Project 0.00040.
gnomAD v4.1: 14 of 1,613,820 alleles (0.00087%); highest among the groups gnomAD compares: African/African-American, 0.0053%; no homozygotes.

Submissions (3):

Labcorp Genetics (formerly Invitae), Labcorp
Classification: Likely benign for Dilated cardiomyopathy 1G; Autosomal recessive limb-girdle muscular dystrophy type 2J. Last evaluated: 2025-10-08. Review status: criteria provided, single submitter. Criteria: Invitae Variant Classification Sherloc (09022015). Collection method: clinical testing. Allele origin: germline.

Ambry Genetics
Classification: Likely benign for Cardiovascular phenotype. Last evaluated: 2019-06-06. Review status: criteria provided, single submitter. Criteria: Ambry Variant Classification Scheme 2023. Collection method: clinical testing. Allele origin: germline.

GeneDx
Classification: Likely benign. Last evaluated: 2016-10-25. Review status: criteria provided, single submitter. Criteria: GeneDx Variant Classification (06012015). Collection method: clinical testing. Allele origin: germline. Affected: yes.
Comment: This variant is considered likely benign or benign based on one or more of the following criteria: it is a conservative change, it occurs at a poorly conserved position in the protein, it is predicted to be benign by multiple in silico algorithms, and/or has population frequency not consistent with disease.